The following is an entry in ClinVar:

NM_025179.4(PLXNA2):c.1729T>C (p.Leu577=)

Gene: PLXNA2 (plexin A2; minus strand). Cytogenetic location: 1q32.2.
Variant type: single nucleotide variant.
Coding change: c.1729T>C on transcript NM_025179.4 (MANE Select); coding-DNA position 1729, T replaced by C.
Protein change: p.Leu577=; no amino-acid change (leucine 577 retained).
Molecular consequence: synonymous variant.
Genome position (GRCh38, 1-based): chr1:208,098,848, A>G on the plus strand (T>C on the coding strand, the complement: PLXNA2 is on the minus strand). VCF-style: chr1-208098848-A-G. GRCh37 (hg19) VCF-style: chr1-208272193-A-G.
Identifiers: ClinVar variation 3356546 (VCV003356546.1).

ClinVar aggregate classification (germline): Likely benign (0 of 4 stars; one submission).

Conditions:
PLXNA2-related disorder. Also called: PLXNA2-related condition.

gnomAD v4.1: 1 of 1,613,496 alleles (0.000062%); highest among the groups gnomAD compares: Non-Finnish European, 0.000085%; no homozygotes.

Submission:

PreventionGenetics, part of Exact Sciences
Classification: Likely benign for PLXNA2-related condition. Last evaluated: 2023-06-30. Review status: no assertion criteria provided. Collection method: clinical testing. Allele origin: germline.
Comment: This variant is classified as likely benign based on ACMG/AMP sequence variant interpretation guidelines (Richards et al. 2015 PMID: 25741868, with internal and published modifications).